The following is an entry in ClinVar:

NM_001805.4(CEBPE):c.611G>C (p.Ser204Thr)

Gene: CEBPE (CCAAT enhancer binding protein epsilon; minus strand). Cytogenetic location: 14q11.2.
Variant type: single nucleotide variant.
Coding change: c.611G>C on transcript NM_001805.4 (MANE Select); coding-DNA position 611, G replaced by C.
Protein change: p.Ser204Thr; replaces serine 204 with threonine.
Molecular consequence: missense variant.
Genome position (GRCh38, 1-based): chr14:23,117,722, C>G on the plus strand (G>C on the coding strand, the complement: CEBPE is on the minus strand). VCF-style: chr14-23117722-C-G. GRCh37 (hg19) VCF-style: chr14-23586931-C-G.
Other names: short protein forms S204T.
Identifiers: ClinVar variation 658176 (VCV000658176.8), dbSNP rs760759078, ClinGen allele CA7111138.
Genomic context (GRCh38, chr14:23,117,722, plus strand): 5'-TTGTCTCGGCTCTTGCGCACGGCGATGTTGTTGCGCTCCCGCCTCAGCCGGTACTCAAGG[C>G]TATCTTTGTTCACTGCCTTCTTGCCCTTGTGTAAGGGGCCAGCCGGGGAGGGCGCCTTCA-3'
Protein context (NP_001796.2, residues 194-214): HKGKKAVNKD[Ser204Thr]LEYRLRRERN

ClinVar aggregate classification (germline): Uncertain significance. Review status: criteria provided, multiple submitters, no conflicts (2 of 4 stars). 2 submissions from 2 submitters: Uncertain significance (2). Last evaluated 2024-06-19.

Conditions:
Specific granule deficiency. Identifiers: Orphanet 169142, MedGen C0398593, MONDO:0009506.

Allele frequency attached by ClinVar (database versions not stated): gnomAD exomes below 0.00001; ExAC 0.00001; gnomAD 0.00001.
gnomAD v4.1: 8 of 1,614,032 alleles (0.0005%); highest among the groups gnomAD compares: African/African-American, 0.0013%; no homozygotes.

Submissions (2):

Blueprint Genetics
Classification: Uncertain significance. Last evaluated: 2024-06-19. Review status: criteria provided, single submitter. Criteria: ACMG Guidelines, 2015. Collection method: clinical testing. Allele origin: germline.

Labcorp Genetics (formerly Invitae), Labcorp
Classification: Uncertain significance for Specific granule deficiency. Last evaluated: 2022-07-19. Review status: criteria provided, single submitter. Criteria: Invitae Variant Classification Sherloc (09022015). Collection method: clinical testing. Allele origin: germline.
Comment: This sequence change replaces serine, which is neutral and polar, with threonine, which is neutral and polar, at codon 204 of the CEBPE protein (p.Ser204Thr). This variant is present in population databases (rs760759078, gnomAD 0.0009%). This variant has not been reported in the literature in individuals affected with CEBPE-related conditions. ClinVar contains an entry for this variant (Variation ID: 658176). Algorithms developed to predict the effect of missense changes on protein structure and function are either unavailable or do not agree on the potential impact of this missense change (SIFT: "Tolerated"; PolyPhen-2: "Probably Damaging"; Align-GVGD: "Class C0"). In summary, the available evidence is currently insufficient to determine the role of this variant in disease. Therefore, it has been classified as a Variant of Uncertain Significance.